The following is an entry in ClinVar:

ClinVar aggregate classification (germline): Pathogenic (1 of 4 stars; one submission).

Conditions:
Alstrom syndrome (ALMS). Identifiers: Orphanet 64, MedGen C0268425, MONDO:0008763, OMIM 203800.

Submission:

Labcorp Genetics (formerly Invitae), Labcorp
Classification: Pathogenic for Alstrom syndrome. Last evaluated: 2022-10-19. Review status: criteria provided, single submitter. Criteria: Invitae Variant Classification Sherloc (09022015). Collection method: clinical testing. Allele origin: germline.
Comment: This sequence change creates a premature translational stop signal (p.His1446Glnfs*5) in the ALMS1 gene. It is expected to result in an absent or disrupted protein product. Loss-of-function variants in ALMS1 are known to be pathogenic (PMID: 17594715). This variant is not present in population databases (gnomAD no frequency). This variant has not been reported in the literature in individuals affected with ALMS1-related conditions. For these reasons, this variant has been classified as Pathogenic.

Literature cited by the submitters: PubMed 17594715.

NM_001378454.1(ALMS1):c.4335_4336del (p.His1445fs)

Gene: ALMS1 (ALMS1 centrosome and basal body associated protein; plus strand). Cytogenetic location: 2p13.1.
Variant type: Deletion.
Coding change: c.4335_4336del on transcript NM_001378454.1 (MANE Select); coding-DNA positions 4335 to 4336, 2 bases deleted (TA; older notation c.4335_4336delTA).
Protein change: p.His1445fs; shifts the reading frame from histidine 1445.
Molecular consequence: frameshift variant.
Genome position (GRCh38, 1-based): chr2:73,450,862-73,450,863, TA deleted; deleting any 2 consecutive bases within chr2:73,450,861-73,450,863 gives the same sequence; the c. name uses the placement nearest the transcript's 3' end. VCF-style (leftmost placement, unchanged base first): chr2-73450860-CAT-C. GRCh37 (hg19) VCF-style: chr2-73677987-CAT-C.
Other names: c.4338_4339del, p.His1446fs (NM_015120.4); short protein forms H1446fs, H1445fs.
Identifiers: ClinVar variation 2036033 (VCV002036033.4), dbSNP rs2466101333, ClinGen allele CA2580067955.
Genomic context (GRCh38, chr2:73,450,860, plus strand): 5'-CCCTCTACTTTCTACTCACACACAGAGAAGCCTGGTAGTTTCTACCAACAGGTCTTGCCA[CAT>C]AGTCATCTACCTGAAGAGGCTTTGGAAGTTTCAGTTGCTCCTGGACCAGTTGACCAGACG-3'